The following is an entry in ClinVar:

NM_007294.4(BRCA1):c.2090T>C (p.Phe697Ser)

Gene: BRCA1 (BRCA1 DNA repair associated; minus strand). Cytogenetic location: 17q21.31.
Variant type: single nucleotide variant.
Coding change: c.2090T>C on transcript NM_007294.4 (MANE Select); coding-DNA position 2090, T replaced by C.
Protein change: p.Phe697Ser; replaces phenylalanine 697 with serine.
Molecular consequence: missense variant. On other transcripts: intron variant (137).
Genome position (GRCh38, 1-based): chr17:43,093,441, A>G on the plus strand (T>C on the coding strand, the complement: BRCA1 is on the minus strand). VCF-style: chr17-43093441-A-G. GRCh37 (hg19) VCF-style: chr17-41245458-A-G.
Other names: c.520+1303T>C (NM_001408505.1, NM_001408504.1, NM_001408503.1); c.460+2405T>C (NM_001408507.1, NM_001408506.1); c.545-2409T>C (NM_001408495.1); c.661+1303T>C (NM_001408448.1, NM_001408445.1, NM_001408432.1 and 6 more transcripts); c.667+2405T>C (NM_001408421.1, NM_001408431.1, NM_001408424.1); c.784+1303T>C (NM_001407991.1, NM_001408407.1, NM_001408402.1 and 13 more transcripts); c.664+1303T>C (NM_001408427.1, NM_001408443.1, NM_001408439.1 and 12 more transcripts); c.523+1303T>C (NM_001408496.1, NM_001408499.1, NM_001408498.1 and 3 more transcripts); and 41 more; short protein forms F697S, F650S, F569S, F626S, F630S, F649S, F671S, F401S.
Identifiers: ClinVar variation 182140 (VCV000182140.17), dbSNP rs730881476, ClinGen allele CA001387.

ClinVar aggregate classification (germline): Conflicting classifications of pathogenicity. Review status: criteria provided, conflicting classifications (1 of 4 stars). 4 submissions from 4 submitters: Uncertain significance (2); Likely benign (1). 1 of the submissions does not count toward it. Last evaluated 2024-08-07.

Conditions:
Hereditary cancer-predisposing syndrome. Also called: Hereditary Cancer Syndrome; Hereditary neoplastic syndrome; Tumor predisposition; Neoplastic Syndromes, Hereditary. Identifiers: Orphanet 140162, MedGen C0027672, MeSH D009386, MONDO:0015356.
Hereditary breast ovarian cancer syndrome. Also called: Hereditary breast and ovarian cancer syndrome; Hereditary breast and ovarian cancer syndrome (HBOC); BRCA1- and BRCA2-Associated Hereditary Breast and Ovarian Cancer; Breast and ovarian cancer; Hereditary breast and ovarian cancer; Hereditary breast and/or ovarian cancer syndrome. Identifiers: Orphanet 145, MedGen C0677776, MeSH D061325, MONDO:0003582. Disease mechanism: loss of function.
Breast-ovarian cancer, familial, susceptibility to, 1 (BROVCA1). Also called: OVARIAN CANCER, SUSCEPTIBILITY TO; BRCA1 Hereditary Breast and Ovarian Cancer. Identifiers: Orphanet 145, MedGen C2676676, MONDO:0011450, OMIM 604370. Disease mechanism: loss of function.

Submissions (4):

Ambry Genetics
Classification: Uncertain significance for Hereditary cancer-predisposing syndrome. Last evaluated: 2024-08-07. Review status: criteria provided, single submitter. Criteria: Ambry Variant Classification Scheme 2023. Collection method: clinical testing. Allele origin: germline.
Comment: The p.F697S variant (also known as c.2090T>C), located in coding exon 9 of the BRCA1 gene, results from a T to C substitution at nucleotide position 2090. The phenylalanine at codon 697 is replaced by serine, an amino acid with highly dissimilar properties. This amino acid position is not well conserved in available vertebrate species. In addition, the in silico prediction for this alteration is inconclusive. Based on the available evidence, the clinical significance of this variant remains unclear.

Labcorp Genetics (formerly Invitae), Labcorp
Classification: Uncertain significance for Hereditary breast ovarian cancer syndrome. Last evaluated: 2023-11-09. Review status: criteria provided, single submitter. Criteria: Invitae Variant Classification Sherloc (09022015). Collection method: clinical testing. Allele origin: germline.
Comment: This sequence change replaces phenylalanine, which is neutral and non-polar, with serine, which is neutral and polar, at codon 697 of the BRCA1 protein (p.Phe697Ser). This variant is not present in population databases (gnomAD no frequency). This variant has not been reported in the literature in individuals affected with BRCA1-related conditions. ClinVar contains an entry for this variant (Variation ID: 182140). Advanced modeling of protein sequence and biophysical properties (such as structural, functional, and spatial information, amino acid conservation, physicochemical variation, residue mobility, and thermodynamic stability) performed at Invitae indicates that this missense variant is not expected to disrupt BRCA1 protein function with a negative predictive value of 95%. In summary, the available evidence is currently insufficient to determine the role of this variant in disease. Therefore, it has been classified as a Variant of Uncertain Significance.

University of Washington Department of Laboratory Medicine, University of Washington
Classification: Likely benign for Hereditary cancer-predisposing syndrome. Last evaluated: 2023-03-23. Review status: criteria provided, single submitter. Criteria: Dines et al. (Genet Med. 2020). Collection method: curation. Allele origin: germline.
Comment: Missense variant in a coldspot region where missense variants are very unlikely to be pathogenic (PMID:31911673).

BRCA1 coldspot (exon 11 using historical exon numbering). Reclassification based on statistical prior probability

Counsyl
Classification: Uncertain significance for Breast-ovarian cancer, familial, susceptibility to, 1. Last evaluated: 2016-10-26. Review status: no assertion criteria provided. Collection method: clinical testing. Allele origin: unknown. Not counted in ClinVar's aggregate classification.